The following is an entry in ClinVar:

ClinVar aggregate classification (germline): Uncertain significance (1 of 4 stars; one submission).

Conditions:
Inborn genetic diseases. Identifiers: MedGen C0950123, MeSH D030342.

Submission:

Ambry Genetics
Classification: Uncertain significance for Inborn genetic diseases. Last evaluated: 2025-03-04. Review status: criteria provided, single submitter. Criteria: Ambry Variant Classification Scheme 2023. Collection method: clinical testing. Allele origin: germline.
Comment: The p.S245N variant (also known as c.734G>A), located in coding exon 2 of the SH2B3 gene, results from a G to A substitution at nucleotide position 734. The serine at codon 245 is replaced by asparagine, an amino acid with highly similar properties. This amino acid position is conserved. In addition, this alteration is predicted to be tolerated by in silico analysis. Based on the available evidence, the clinical significance of this variant remains unclear.

NM_005475.3(SH2B3):c.734G>A (p.Ser245Asn)

Gene: SH2B3 (SH2B adaptor protein 3; plus strand). Cytogenetic location: 12q24.12.
Variant type: single nucleotide variant.
Coding change: c.734G>A on transcript NM_005475.3 (MANE Select); coding-DNA position 734, G replaced by A.
Protein change: p.Ser245Asn; replaces serine 245 with asparagine.
Molecular consequence: missense variant.
Genome position (GRCh38, 1-based): chr12:111,446,754, G>A. VCF-style: chr12-111446754-G-A. GRCh37 (hg19) VCF-style: chr12-111884558-G-A.
Other names: c.128G>A, p.Ser43Asn (NM_001291424.1); short protein forms S245N, S43N.
Identifiers: ClinVar variation 3795234 (VCV003795234.1).